The following is an entry in ClinVar:

ClinVar aggregate classification (germline): Uncertain significance (1 of 4 stars; one submission).

Submission:

GeneDx
Classification: Uncertain significance. Last evaluated: 2023-12-13. Review status: criteria provided, single submitter. Criteria: GeneDx Variant Classification Process June 2021. Collection method: clinical testing. Allele origin: germline. Affected: yes.
Comment: Not observed at significant frequency in large population cohorts (gnomAD); In silico analysis supports that this missense variant does not alter protein structure/function; Has not been previously published as pathogenic or benign to our knowledge; This variant is associated with the following publications: (PMID: 22807134, 25486365)

NM_001042492.3(NF1):c.3628G>A (p.Glu1210Lys)

Gene: NF1 (neurofibromin 1; plus strand). Cytogenetic location: 17q11.2.
Variant type: single nucleotide variant.
Coding change: c.3628G>A on transcript NM_001042492.3 (MANE Select); coding-DNA position 3628, G replaced by A.
Protein change: p.Glu1210Lys; replaces glutamic acid 1210 with lysine.
Molecular consequence: missense variant.
Genome position (GRCh38, 1-based): chr17:31,233,133, G>A. VCF-style: chr17-31233133-G-A. GRCh37 (hg19) VCF-style: chr17-29560151-G-A.
Other names: c.3628G>A, p.Glu1210Lys (NM_000267.4); short protein forms E1210K.
Identifiers: ClinVar variation 3253053 (VCV003253053.1), dbSNP rs2151435633.
Genomic context (GRCh38, chr17:31,233,133, plus strand): 5'-GGCACAGAATTTGACACACTTGCAGAAACAGTATTGGCTGATCGGTTTGAGAGATTGGTG[G>A]AACTGGTCACAATGATGGGTGATCAAGGAGAACTCCCTATAGCGATGGCTCTGGCCAATG-3'
Protein context (NP_001035957.1, residues 1200-1220): VLADRFERLV[Glu1210Lys]LVTMMGDQGE